The following is an entry in ClinVar:

NM_001042492.3(NF1):c.7010T>G (p.Leu2337Arg)

Gene: NF1 (neurofibromin 1; plus strand). Cytogenetic location: 17q11.2.
Variant type: single nucleotide variant.
Coding change: c.7010T>G on transcript NM_001042492.3 (MANE Select); coding-DNA position 7010, T replaced by G.
Protein change: p.Leu2337Arg; replaces leucine 2337 with arginine.
Molecular consequence: missense variant.
Genome position (GRCh38, 1-based): chr17:31,340,593, T>G. VCF-style: chr17-31340593-T-G. GRCh37 (hg19) VCF-style: chr17-29667611-T-G.
Other names: c.6947T>G, p.Leu2316Arg (NM_000267.4); short protein forms L2316R, L2337R.
Identifiers: ClinVar variation 547691 (VCV000547691.8), dbSNP rs1555535179, ClinGen allele CA399015026.

ClinVar aggregate classification (germline): Conflicting classifications of pathogenicity. Review status: criteria provided, conflicting classifications (1 of 4 stars). 3 submissions from 3 submitters: Pathogenic (1); Uncertain significance (2). Last evaluated 2025-11-11.
ClinVar aggregate classification (somatic clinical impact): Tier II - Potential (1 of 4 stars; one submission).

Conditions:
Hereditary cancer-predisposing syndrome. Also called: Neoplastic Syndromes, Hereditary; Hereditary neoplastic syndrome; Tumor predisposition; Hereditary Cancer Syndrome. Identifiers: Orphanet 140162, MedGen C0027672, MeSH D009386, MONDO:0015356.
Cardiovascular phenotype. Identifiers: MedGen CN230736.
Neurofibromatosis, type 1 (NF1). Also called: NEUROFIBROMATOSIS, TYPE I, SOMATIC; VON RECKLINGHAUSEN DISEASE; Peripheral type neurofibromatosis; Neurofibromatosis, type I. Identifiers: Orphanet 636, MedGen C0027831, MONDO:0018975, OMIM 162200. Disease mechanism: loss of function.
Embryonal rhabdomyosarcoma (ERMS). Also called: Botryoid rhabdomyosarcoma (type of ERMS); Spindle cell rhabdomyosarcomas (type of ERMS). Identifiers: Orphanet 99757, MedGen C0206656, MONDO:0009993, HP:0006743.

Submissions (4):

Labcorp Genetics (formerly Invitae), Labcorp
Classification: Pathogenic for Neurofibromatosis, type 1. Last evaluated: 2025-11-11. Review status: criteria provided, single submitter. Criteria: Invitae Variant Classification Sherloc (09022015). Collection method: clinical testing. Allele origin: germline.
Comment: This sequence change replaces leucine, which is neutral and non-polar, with arginine, which is basic and polar, at codon 2316 of the NF1 protein (p.Leu2316Arg). This variant is not present in population databases (gnomAD no frequency). This missense change has been observed in individual(s) with neurofibromatosis type 1 (PMID: 31730495). Invitae Evidence Modeling of clinical and family history, age, sex, and reported ancestry of multiple individuals with this NF1 variant has been performed. This variant is expected to be pathogenic with a positive predictive value of at least 99%. This is a validated machine learning model that incorporates the clinical features of 1,785,918 individuals referred to our laboratory for NF1 testing. ClinVar contains an entry for this variant (Variation ID: 547691). Invitae Evidence Modeling of protein sequence and biophysical properties (such as structural, functional, and spatial information, amino acid conservation, physicochemical variation, residue mobility, and thermodynamic stability) indicates that this missense variant is expected to disrupt NF1 protein function with a positive predictive value of 95%. This variant disrupts the p.Leu2316 amino acid residue in NF1. Other variant(s) that disrupt this residue have been observed in individuals with NF1-related conditions (PMID: 27322474), which suggests that this may be a clinically significant amino acid residue. For these reasons, this variant has been classified as Pathogenic.

Ambry Genetics
Classification: Uncertain significance for Cardiovascular phenotype; Hereditary cancer-predisposing syndrome. Last evaluated: 2024-07-10. Review status: criteria provided, single submitter. Criteria: Ambry Variant Classification Scheme 2023. Collection method: clinical testing. Allele origin: germline.
Comment: The p.L2316R variant (also known as c.6947T>G), located in coding exon 46 of the NF1 gene, results from a T to G substitution at nucleotide position 6947. The leucine at codon 2316 is replaced by arginine, an amino acid with dissimilar properties. This alteration was identified in 1 of 138 patients clinically diagnosed with neurofibromatosis type 1 (NF1) (Assunto A et al. Orphanet J Rare Dis, 2019 Nov;14:261). This amino acid position is highly conserved in available vertebrate species. In addition, this alteration is predicted to be deleterious by in silico analysis. Based on the available evidence, the clinical significance of this variant remains unclear.

Institute for Genomic Medicine (IGM) Clinical Laboratory, Nationwide Children's Hospital
Classification: Tier II - Potential for Embryonal rhabdomyosarcoma. Assertion type: diagnostic. Clinical significance: supports diagnosis. Last evaluated: 2022-11-12. Review status: criteria provided, single submitter. Criteria: AMP/ASCO/CAP Guidelines, 2017. Collection method: clinical testing. Allele origin: somatic. Affected: yes.
Comment: Variant has Tier II (potential) clinical significance as a diagnostic inclusion criterion in embryonal rhabdomyosarcoma, based on the following evidence: 1) Documented in one or more cancer databases (e.g., St. Jude Pecan, COSMIC, CIViC, OncoKB). 2) Appears in one or more well-established professional guidelines (e.g., World Health Organization [WHO]; National Comprehensive Cancer Network [NCCN]) as providing diagnostic, prognostic, or therapeutic information. 3) Diagnostic significance based on multiple small studies (Evidence Level C; PMIDs: 34166060, 24436047, 26138366, 21412928).

Center for Human Genetics, Inc
Classification: Uncertain significance for Neurofibromatosis, type 1. Last evaluated: 2016-11-01. Review status: criteria provided, single submitter. Criteria: ACMG Guidelines, 2015. Collection method: clinical testing. Allele origin: germline. Affected: yes.

Literature cited by the submitters: PubMed 31730495 (cited by Labcorp Genetics (formerly Invitae), Labcorp and Ambry Genetics); PubMed 27322474 (cited by Labcorp Genetics (formerly Invitae), Labcorp); PubMed 34166060 (cited by Institute for Genomic Medicine (IGM) Clinical Laboratory, Nationwide Children's Hospital); PubMed 24436047 (cited by Institute for Genomic Medicine (IGM) Clinical Laboratory, Nationwide Children's Hospital); PubMed 26138366 (cited by Institute for Genomic Medicine (IGM) Clinical Laboratory, Nationwide Children's Hospital); PubMed 21412928 (cited by Institute for Genomic Medicine (IGM) Clinical Laboratory, Nationwide Children's Hospital).